The following is an entry in ClinVar:

ClinVar aggregate classification (germline): Uncertain significance (1 of 4 stars; one submission).

Allele frequency attached by ClinVar (database versions not stated): TOPMed below 0.00001; ExAC 0.00001.
gnomAD v4.1: 5 of 1,614,194 alleles (0.00031%); highest among the groups gnomAD compares: Non-Finnish European, 0.00042%; no homozygotes.

Submission:

Labcorp Genetics (formerly Invitae), Labcorp
Classification: Uncertain significance. Last evaluated: 2022-05-17. Review status: criteria provided, single submitter. Criteria: Invitae Variant Classification Sherloc (09022015). Collection method: clinical testing. Allele origin: germline.
Comment: In summary, the available evidence is currently insufficient to determine the role of this variant in disease. Therefore, it has been classified as a Variant of Uncertain Significance. Algorithms developed to predict the effect of missense changes on protein structure and function (SIFT, PolyPhen-2, Align-GVGD) all suggest that this variant is likely to be disruptive. This variant has not been reported in the literature in individuals affected with NBAS-related conditions. This variant is present in population databases (rs770915142, gnomAD 0.0009%). This sequence change replaces proline, which is neutral and non-polar, with histidine, which is basic and polar, at codon 2141 of the NBAS protein (p.Pro2141His).

NM_015909.4(NBAS):c.6422C>A (p.Pro2141His)

Gene: NBAS (NBAS subunit of NRZ tethering complex; minus strand). Cytogenetic location: 2p24.3.
Variant type: single nucleotide variant.
Coding change: c.6422C>A on transcript NM_015909.4 (MANE Select); coding-DNA position 6422, C replaced by A.
Protein change: p.Pro2141His; replaces proline 2141 with histidine.
Molecular consequence: missense variant.
Genome position (GRCh38, 1-based): chr2:15,218,783, G>T on the plus strand (C>A on the coding strand, the complement: NBAS is on the minus strand). VCF-style: chr2-15218783-G-T. GRCh37 (hg19) VCF-style: chr2-15358907-G-T.
Other names: short protein forms P2141H.
Identifiers: ClinVar variation 1995473 (VCV001995473.3), dbSNP rs770915142, ClinGen allele CA1535017.